The following is an entry in ClinVar:

ClinVar aggregate classification (germline): Likely benign (1 of 4 stars; one submission).

Conditions:
Hypertrophic cardiomyopathy. Also called: HYPERTROPHIC MYOCARDIOPATHY. Identifiers: Orphanet 217569, MedGen C0007194, MeSH D002312, MONDO:0005045, HP:0001639.

Submission:

All of Us Research Program, National Institutes of Health
Classification: Likely benign for Hypertrophic cardiomyopathy. Last evaluated: 2024-07-20. Review status: criteria provided, single submitter. Criteria: ACMG Guidelines, 2015. Collection method: clinical testing. Allele origin: germline. Inheritance: Autosomal dominant inheritance. Observed: 1 variant allele, 1 heterozygote.
Comment: This study involves interpretation of variants in research participants for the purpose of population health screening. Participant phenotype was not available at the time of variant classification. Additional details can be found in publication PMID: 35346344, PMCID: PMC8962531

NM_000256.3(MYBPC3):c.1928-14T>C

Gene: MYBPC3 (myosin binding protein C3; minus strand). Cytogenetic location: 11p11.2.
Variant type: single nucleotide variant.
Coding change: c.1928-14T>C on transcript NM_000256.3 (MANE Select); 14 bases into the intron before coding-DNA position 1928, T replaced by C.
Molecular consequence: intron variant.
Genome position (GRCh38, 1-based): chr11:47,339,804, A>G on the plus strand (T>C on the coding strand, the complement: MYBPC3 is on the minus strand). VCF-style: chr11-47339804-A-G. GRCh37 (hg19) VCF-style: chr11-47361355-A-G.
Identifiers: ClinVar variation 3387127 (VCV003387127.1).